The following is an entry in ClinVar:

ClinVar aggregate classification (germline): Uncertain significance (1 of 4 stars; one submission).

gnomAD v4.1: 2 of 1,610,422 alleles (0.00012%); highest among the groups gnomAD compares: African/African-American, 0.0013%; no homozygotes.

Submission:

Labcorp Genetics (formerly Invitae), Labcorp
Classification: Uncertain significance. Last evaluated: 2025-01-06. Review status: criteria provided, single submitter. Criteria: Invitae Variant Classification Sherloc (09022015). Collection method: clinical testing. Allele origin: germline.
Comment: This sequence change replaces arginine, which is basic and polar, with cysteine, which is neutral and slightly polar, at codon 590 of the MAP3K20 protein (p.Arg590Cys). This variant is present in population databases (no rsID available, gnomAD 0.0009%). This variant has not been reported in the literature in individuals affected with MAP3K20-related conditions. ClinVar contains an entry for this variant (Variation ID: 1906866). Invitae Evidence Modeling of protein sequence and biophysical properties (such as structural, functional, and spatial information, amino acid conservation, physicochemical variation, residue mobility, and thermodynamic stability) indicates that this missense variant is not expected to disrupt MAP3K20 protein function with a negative predictive value of 95%. In summary, the available evidence is currently insufficient to determine the role of this variant in disease. Therefore, it has been classified as a Variant of Uncertain Significance.

NM_016653.3(MAP3K20):c.1768C>T (p.Arg590Cys)

Genes: MAP3K20 (mitogen-activated protein kinase kinase kinase 20; plus strand), MAP3K20-AS1 (MAP3K20 antisense RNA 1; minus strand). Cytogenetic location: 2q31.1.
Variant type: single nucleotide variant.
Coding change: c.1768C>T on transcript NM_016653.3 (MANE Select); coding-DNA position 1768, C replaced by T.
Protein change: p.Arg590Cys; replaces arginine 590 with cysteine.
Molecular consequence: missense variant.
Genome position (GRCh38, 1-based): chr2:173,266,115, C>T. VCF-style: chr2-173266115-C-T. GRCh37 (hg19) VCF-style: chr2-174130843-C-T.
Other names: short protein forms R590C.
Identifiers: ClinVar variation 1906866 (VCV001906866.5), dbSNP rs1446105311, ClinGen allele CA349317106.